The following is an entry in ClinVar:

NM_001039660.2(IL18BP):c.508-3T>C

Gene: IL18BP (interleukin 18 binding protein; plus strand). Cytogenetic location: 11q13.4.
Variant type: single nucleotide variant.
Coding change: c.508-3T>C on transcript NM_001039660.2 (MANE Select); 3 bases into the intron before coding-DNA position 508, T replaced by C.
Molecular consequence: intron variant. On other transcripts: 3 prime UTR variant (1).
Genome position (GRCh38, 1-based): chr11:72,001,781, T>C. VCF-style: chr11-72001781-T-C. GRCh37 (hg19) VCF-style: chr11-71712827-T-C.
Other names: c.*136T>C (NM_005699.3); c.508-3T>C (NM_001039659.2, NM_173042.2, NM_001145057.1); c.380-3T>C (NM_173044.3); c.236-3T>C (NM_001145055.1).
Identifiers: ClinVar variation 2868545 (VCV002868545.3), dbSNP rs749696736, ClinGen allele CA6166293.

ClinVar aggregate classification (germline): Uncertain significance (1 of 4 stars; one submission).

Allele frequency attached by ClinVar (database versions not stated): gnomAD 0.00003; TOPMed 0.00004.
gnomAD v4.1: 81 of 1,613,956 alleles (0.005%); highest among the groups gnomAD compares: Admixed American, 0.0083%; no homozygotes.

Submission:

Labcorp Genetics (formerly Invitae), Labcorp
Classification: Uncertain significance. Last evaluated: 2025-08-15. Review status: criteria provided, single submitter. Criteria: Invitae Variant Classification Sherloc (09022015). Collection method: clinical testing. Allele origin: germline.
Comment: This sequence change falls in intron 4 of the IL18BP gene. It does not directly change the encoded amino acid sequence of the IL18BP protein. It affects a nucleotide within the consensus splice site. This variant is present in population databases (rs749696736, gnomAD 0.01%). This variant has not been reported in the literature in individuals affected with IL18BP-related conditions. ClinVar contains an entry for this variant (Variation ID: 2868545). Variants that disrupt the consensus splice site are a relatively common cause of aberrant splicing (PMID: 17576681, 9536098). Algorithms developed to predict the effect of sequence changes on RNA splicing suggest that this variant is not likely to affect RNA splicing. In summary, the available evidence is currently insufficient to determine the role of this variant in disease. Therefore, it has been classified as a Variant of Uncertain Significance.

Literature cited by the submitters: PubMed 17576681; PubMed 9536098.